The following is an entry in ClinVar:

NM_001904.4(CTNNB1):c.104T>G (p.Ile35Ser)

Genes: CTNNB1 (catenin beta 1; plus strand), LOC126806658 (BRD4-independent group 4 enhancer GRCh37_chr3:41265899-41267098; plus strand). Cytogenetic location: 3p22.1.
Variant type: single nucleotide variant.
Coding change: c.104T>G on transcript NM_001904.4 (MANE Select); coding-DNA position 104, T replaced by G.
Protein change: p.Ile35Ser; replaces isoleucine 35 with serine.
Molecular consequence: missense variant.
Genome position (GRCh38, 1-based): chr3:41,224,616, T>G. VCF-style: chr3-41224616-T-G. GRCh37 (hg19) VCF-style: chr3-41266107-T-G.
Other names: c.104T>G, p.Ile35Ser (NM_001098209.2, NM_001098210.2, NM_001438871.1 and 4 more transcripts); c.83T>G, p.Ile28Ser (NM_001330729.2); short protein forms I35S, I28S.
Identifiers: ClinVar variation 4974583 (VCV004974583.1).

ClinVar aggregate classification (germline): Likely pathogenic (1 of 4 stars; one submission).

Conditions:
Nasopharyngeal neoplasm. Also called: Nasopharyngeal Neoplasms; Neoplasia of the nasopharynx. Identifiers: MedGen C0027439, MeSH D009303, MONDO:0005375, HP:0100630.

Submission:

Clinical Genomics Laboratory, Washington University in St. Louis
Classification: Likely pathogenic for Nasopharyngeal neoplasm. Last evaluated: 2026-04-30. Review status: criteria provided, single submitter. Criteria: Leon-Quintero et al. (Clin Genet. 2025). Collection method: clinical testing. Allele origin: somatic. Affected: yes.
Comment: A CTNNB1 c.104T>G (p.Ile35Ser) variant was identified at an allelic fraction consistent with somatic origin. This variant has been reported in the literature in an individual with primary and recurrent juvenile nasopharyngeal angiofibroma (Abraham SC et al., PMID: 11238055) and in several cases in the cancer database COSMIC (COSV62687967). It is absent from the general population (gnomAD v4.1.1), indicating it is not a common variant. The CTNNB1 c.104T>G (p.Ile35Ser) variant resides within the N-terminal domain of the protein which contains several critical phosphorylation sites regulated by GSK and CK1 for ubiquitination and proteasomal degradation (Trautmann M t al., PMID: 32099073; Kosaki R et al., PMID: 24459012). Based on available information and an internally developed protocol informed by the ACMG/AMP guidelines for variant interpretation and gene-specific practices from the ClinGen Criteria Specification Registry (Leon-Quintero FZ et al., PMID: 39434542), the CTNNB1 c.104T>G (p.Ile35Ser) variant is classified as likely pathogenic.